The following is an entry in ClinVar:

NM_000138.5(FBN1):c.3886T>C (p.Cys1296Arg)

Gene: FBN1 (fibrillin 1; minus strand). Cytogenetic location: 15q21.1.
Variant type: single nucleotide variant.
Coding change: c.3886T>C on transcript NM_000138.5 (MANE Select); coding-DNA position 3886, T replaced by C.
Protein change: p.Cys1296Arg; replaces cysteine 1296 with arginine.
Molecular consequence: missense variant.
Genome position (GRCh38, 1-based): chr15:48,481,733, A>G on the plus strand (T>C on the coding strand, the complement: FBN1 is on the minus strand). VCF-style: chr15-48481733-A-G. GRCh37 (hg19) VCF-style: chr15-48773930-A-G.
Other names: p.C1296R:TGT>CGT; short protein forms C1296R.
Identifiers: ClinVar variation 42344 (VCV000042344.13), dbSNP rs397515797, ClinGen allele CA014615.

ClinVar aggregate classification (germline): Likely pathogenic. Review status: criteria provided, multiple submitters, no conflicts (2 of 4 stars). 3 submissions from 3 submitters: Likely pathogenic (3). Last evaluated 2024-02-27.

Conditions:
Marfan syndrome (MFS). Also called: FBN1-Related Marfan Syndrome; Marfan syndrome, classic; MARFAN SYNDROME, TYPE I; Marfan syndrome type 1; Marfan's syndrome. Identifiers: Orphanet 284963, Orphanet 558, MedGen C0024796, MONDO:0007947, OMIM 154700.
Familial thoracic aortic aneurysm and aortic dissection (TAAD). Also called: Thoracic aortic aneurysms and dissections. Identifiers: Orphanet 91387, MedGen C4707243, MONDO:0019625.

Submissions (3):

GeneDx
Classification: Likely pathogenic. Last evaluated: 2024-02-27. Review status: criteria provided, single submitter. Criteria: GeneDx Variant Classification Process June 2021. Collection method: clinical testing. Allele origin: germline. Affected: yes.
Comment: Affects a cysteine residue within a calcium-binding EGF-like domain of the FBN1 gene, which may affect disulfide bonding and is predicted to alter the structure and function of the protein; cysteine substitutions in the calcium-binding EGF-like domains represent the majority of pathogenic missense changes associated with FBN1-related disorders (PMID: 12938084); Not observed at significant frequency in large population cohorts (gnomAD); In silico analysis supports that this missense variant has a deleterious effect on protein structure/function; Has not been previously published as pathogenic or benign to our knowledge; This variant is associated with the following publications: (PMID: 12938084, 27906200)

Labcorp Genetics (formerly Invitae), Labcorp
Classification: Likely pathogenic for Marfan syndrome; Familial thoracic aortic aneurysm and aortic dissection. Last evaluated: 2020-11-21. Review status: criteria provided, single submitter. Criteria: Invitae Variant Classification Sherloc (09022015). Collection method: clinical testing. Allele origin: germline.
Comment: In summary, the currently available evidence indicates that the variant is pathogenic, but additional data are needed to prove that conclusively. Therefore, this variant has been classified as Likely Pathogenic. This variant affects a cysteine residue in the EGF-like, TGFBP or hybrid motif domains of FBN1. Cysteine residues are believed to be involved in intramolecular disulfide bridges and have been shown to be important for FBN1 protein structure (PMID: 16905551, 19349279). In addition, missense substitutions affecting cysteine residues within these domains are significantly overrepresented among patients with Marfan syndrome (PMID: 16571647, 17701892). Advanced modeling of protein sequence and biophysical properties (such as structural, functional, and spatial information, amino acid conservation, physicochemical variation, residue mobility, and thermodynamic stability) performed at Invitae indicates that this missense variant is expected to disrupt FBN1 protein function. This variant has been observed in individual(s) with clinical features of Marfan syndrome (Invitae). ClinVar contains an entry for this variant (Variation ID: 42344). This variant is not present in population databases (ExAC no frequency). This sequence change replaces cysteine with arginine at codon 1296 of the FBN1 protein (p.Cys1296Arg). The cysteine residue is highly conserved and there is a large physicochemical difference between cysteine and arginine.

Laboratory for Molecular Medicine, Mass General Brigham Personalized Medicine
Classification: Likely pathogenic for Marfan syndrome. Last evaluated: 2013-01-30. Review status: criteria provided, single submitter. Criteria: LMM Criteria. Collection method: clinical testing. Allele origin: germline. Inheritance: Autosomal dominant inheritance. Observed: 1 variant allele.
Comment: The Cys1296Arg variant in FBN1 has not previously been identified by our laborat ory or in the literature. This variant affects a cysteine residue and cysteine s ubstitutions are a common finding in patients with Marfan syndrome (Schrijver 19 99). This variant has not been identified in large and broad African American an d European American populations by the NHLBI Exome Sequencing Project (s.). Computational analyses (biochemical amino acid proper ties, conservation, AlignGVGD, PolyPhen2, and SIFT) suggest that the Cys1296Arg variant may impact the protein, though this information is not predictive enough to determine pathogenicity. In summary, this variant is likely pathogenic, thou gh additional studies are required to fully establish its clinical significance.

Literature cited by the submitters: PubMed 16905551 (cited by Labcorp Genetics (formerly Invitae), Labcorp); PubMed 19349279 (cited by Labcorp Genetics (formerly Invitae), Labcorp); PubMed 16571647 (cited by Labcorp Genetics (formerly Invitae), Labcorp); PubMed 17701892 (cited by Labcorp Genetics (formerly Invitae), Labcorp); PubMed 10486319 (cited by Laboratory for Molecular Medicine, Mass General Brigham Personalized Medicine).